The following is an entry in ClinVar:

NM_012281.3(KCND2):c.670C>T (p.Arg224Trp)

Gene: KCND2 (potassium voltage-gated channel subfamily D member 2; plus strand). Cytogenetic location: 7q31.31.
Variant type: single nucleotide variant.
Coding change: c.670C>T on transcript NM_012281.3 (MANE Select); coding-DNA position 670, C replaced by T.
Protein change: p.Arg224Trp; replaces arginine 224 with tryptophan.
Molecular consequence: missense variant.
Genome position (GRCh38, 1-based): chr7:120,275,302, C>T. VCF-style: chr7-120275302-C-T. GRCh37 (hg19) VCF-style: chr7-119915356-C-T.
Other names: short protein forms R224W.
Identifiers: ClinVar variation 2784666 (VCV002784666.3), dbSNP rs201072665, ClinGen allele CA369132128.

ClinVar aggregate classification (germline): Uncertain significance (1 of 4 stars; one submission).

Conditions:
Early Myoclonic Encephalopathy. Identifiers: MedGen C0270855.

Submission:

Labcorp Genetics (formerly Invitae), Labcorp
Classification: Uncertain significance for Early Myoclonic Encephalopathy. Last evaluated: 2024-04-01. Review status: criteria provided, single submitter. Criteria: Invitae Variant Classification Sherloc (09022015). Collection method: clinical testing. Allele origin: germline.
Comment: This sequence change replaces arginine, which is basic and polar, with tryptophan, which is neutral and slightly polar, at codon 224 of the KCND2 protein (p.Arg224Trp). This variant is not present in population databases (gnomAD no frequency). This variant has not been reported in the literature in individuals affected with KCND2-related conditions. Advanced modeling of protein sequence and biophysical properties (such as structural, functional, and spatial information, amino acid conservation, physicochemical variation, residue mobility, and thermodynamic stability) performed at Invitae indicates that this missense variant is not expected to disrupt KCND2 protein function with a negative predictive value of 80%. In summary, the available evidence is currently insufficient to determine the role of this variant in disease. Therefore, it has been classified as a Variant of Uncertain Significance.